The following is an entry in ClinVar:

NM_001330574.2(ZNF711):c.589A>G (p.Lys197Glu)

Gene: ZNF711 (zinc finger protein 711; plus strand). Cytogenetic location: Xq21.1.
Variant type: single nucleotide variant.
Coding change: c.589A>G on transcript NM_001330574.2 (MANE Select); coding-DNA position 589, A replaced by G.
Protein change: p.Lys197Glu; replaces lysine 197 with glutamic acid.
Molecular consequence: missense variant.
Genome position (GRCh38, 1-based): chrX:85,255,768, A>G. VCF-style: chrX-85255768-A-G. GRCh37 (hg19) VCF-style: chrX-84510774-A-G.
Other names: c.589A>G, p.Lys197Glu (NM_001375431.1, NM_001375432.1, NM_001375433.1 and 5 more transcripts); short protein forms K197E.
Identifiers: ClinVar variation 3361198 (VCV003361198.1).

ClinVar aggregate classification (germline): Uncertain significance (1 of 4 stars; one submission).

Submission:

GeneDx
Classification: Uncertain significance. Last evaluated: 2023-07-21. Review status: criteria provided, single submitter. Criteria: GeneDx Variant Classification Process June 2021. Collection method: clinical testing. Allele origin: germline. Affected: yes.
Comment: Not observed at significant frequency in large population cohorts (gnomAD); In silico analysis supports that this missense variant does not alter protein structure/function; Has not been previously published as pathogenic or benign to our knowledge